The following is an entry in ClinVar:

NM_014363.6(SACS):c.13536T>C (p.Tyr4512=)

Gene: SACS (sacsin molecular chaperone; minus strand). Cytogenetic location: 13q12.12.
Variant type: single nucleotide variant.
Coding change: c.13536T>C on transcript NM_014363.6 (MANE Select); coding-DNA position 13536, T replaced by C.
Protein change: p.Tyr4512=; no amino-acid change (tyrosine 4512 retained).
Molecular consequence: synonymous variant.
Genome position (GRCh38, 1-based): chr13:23,330,340, A>G on the plus strand (T>C on the coding strand, the complement: SACS is on the minus strand). VCF-style: chr13-23330340-A-G. GRCh37 (hg19) VCF-style: chr13-23904479-A-G.
Other names: p.Tyr4512=; c.13095T>C, p.Tyr4365= (NM_001278055.2).
Identifiers: ClinVar variation 696840 (VCV000696840.11), dbSNP rs1593118995, ClinGen allele CA483157415.

ClinVar aggregate classification (germline): Likely benign. Review status: criteria provided, multiple submitters, no conflicts (2 of 4 stars). 2 submissions from 2 submitters: Likely benign (2). Last evaluated 2024-12-31.

Conditions:
Spastic paraplegia. Identifiers: MedGen C0037772, HP:0001258.

Allele frequency attached by ClinVar (database versions not stated): gnomAD exomes 0.00001; gnomAD 0.00001; TOPMed 0.00001.
gnomAD v4.1: 12 of 1,614,056 alleles (0.00074%); highest among the groups gnomAD compares: Admixed American, 0.0017%; no homozygotes.

Submissions (2):

Mayo Clinic Laboratories, Mayo Clinic
Classification: Likely benign. Last evaluated: 2024-12-31. Review status: criteria provided, single submitter. Criteria: ACMG Guidelines, 2015. Collection method: clinical testing. Allele origin: germline. Observed: 1 variant allele.
Comment: BP4, BP7

Labcorp Genetics (formerly Invitae), Labcorp
Classification: Likely benign for Spastic paraplegia. Last evaluated: 2023-11-24. Review status: criteria provided, single submitter. Criteria: Invitae Variant Classification Sherloc (09022015). Collection method: clinical testing. Allele origin: germline.